The following is an entry in ClinVar:

ClinVar aggregate classification (germline): Likely benign. Review status: criteria provided, multiple submitters, no conflicts (2 of 4 stars). 2 submissions from 2 submitters: Likely benign (2). Last evaluated 2026-01-09.

Conditions:
Joubert syndrome. Also called: JOUBERT-BOLTSHAUSER SYNDROME; Familial aplasia of the vermis. Identifiers: Orphanet 475, MedGen C5979921, MONDO:0018772.

Submissions (2):

Labcorp Genetics (formerly Invitae), Labcorp
Classification: Likely benign for Joubert syndrome. Last evaluated: 2026-01-09. Review status: criteria provided, single submitter. Criteria: Invitae Variant Classification Sherloc (09022015). Collection method: clinical testing. Allele origin: germline.

CeGaT Center for Human Genetics Tuebingen
Classification: Likely benign. Last evaluated: 2025-11-01. Review status: criteria provided, single submitter. Criteria: CeGaT Center For Human Genetics Tuebingen Variant Classification Criteria Version 2. Collection method: clinical testing. Allele origin: germline. Affected: yes. Observed: 2 variant alleles.
Comment: INPP5E: PM2:Supporting, BP4, BP7

NM_019892.6(INPP5E):c.1371C>G (p.Pro457=)

Gene: INPP5E (inositol polyphosphate-5-phosphatase E; minus strand). Cytogenetic location: 9q34.3.
Variant type: single nucleotide variant.
Coding change: c.1371C>G on transcript NM_019892.6 (MANE Select); coding-DNA position 1371, C replaced by G.
Protein change: p.Pro457=; no amino-acid change (proline 457 retained).
Molecular consequence: synonymous variant.
Genome position (GRCh38, 1-based): chr9:136,432,495, G>C on the plus strand (C>G on the coding strand, the complement: INPP5E is on the minus strand). VCF-style: chr9-136432495-G-C. GRCh37 (hg19) VCF-style: chr9-139326947-G-C.
Other names: c.1368C>G, p.Pro456= (NM_001318502.2).
Identifiers: ClinVar variation 3905777 (VCV003905777.11).